The following is an entry in ClinVar:

ClinVar aggregate classification (germline): Uncertain significance (1 of 4 stars; one submission).

Allele frequency attached by ClinVar (database versions not stated): gnomAD exomes below 0.00001.
gnomAD v4.1: 2 of 1,614,180 alleles (0.00012%); highest among the groups gnomAD compares: Non-Finnish European, 0.00017%; no homozygotes.

Submission:

Labcorp Genetics (formerly Invitae), Labcorp
Classification: Uncertain significance. Last evaluated: 2023-12-09. Review status: criteria provided, single submitter. Criteria: Invitae Variant Classification Sherloc (09022015). Collection method: clinical testing. Allele origin: germline.
Comment: This sequence change replaces proline, which is neutral and non-polar, with serine, which is neutral and polar, at codon 774 of the KCNQ5 protein (p.Pro774Ser). This variant is present in population databases (no rsID available, gnomAD 0.007%). This variant has not been reported in the literature in individuals affected with KCNQ5-related conditions. Advanced modeling of protein sequence and biophysical properties (such as structural, functional, and spatial information, amino acid conservation, physicochemical variation, residue mobility, and thermodynamic stability) performed at Invitae indicates that this missense variant is not expected to disrupt KCNQ5 protein function with a negative predictive value of 95%. In summary, the available evidence is currently insufficient to determine the role of this variant in disease. Therefore, it has been classified as a Variant of Uncertain Significance.

NM_019842.4(KCNQ5):c.2263C>T (p.Pro755Ser)

Gene: KCNQ5 (potassium voltage-gated channel subfamily Q member 5; plus strand). Cytogenetic location: 6q13.
Variant type: single nucleotide variant.
Coding change: c.2263C>T on transcript NM_019842.4 (MANE Select); coding-DNA position 2263, C replaced by T.
Protein change: p.Pro755Ser; replaces proline 755 with serine.
Molecular consequence: missense variant.
Genome position (GRCh38, 1-based): chr6:73,194,878, C>T. VCF-style: chr6-73194878-C-T. GRCh37 (hg19) VCF-style: chr6-73904601-C-T.
Other names: c.2236C>T, p.Pro746Ser (NM_001160130.2); c.2293C>T, p.Pro765Ser (NM_001160132.2); c.2320C>T, p.Pro774Ser (NM_001160133.2); c.1933C>T, p.Pro645Ser (NM_001160134.2); short protein forms P765S, P774S, P746S, P755S, P645S.
Identifiers: ClinVar variation 2876039 (VCV002876039.3), dbSNP rs1439742478, ClinGen allele CA364695593.